The following is an entry in ClinVar:

ClinVar aggregate classification (germline): Likely benign. Review status: criteria provided, multiple submitters, no conflicts (2 of 4 stars). 3 submissions from 3 submitters: Likely benign (3). Last evaluated 2025-12-01.

Conditions:
Cardiovascular phenotype. Identifiers: MedGen CN230736.
Arrhythmogenic cardiomyopathy with wooly hair and keratoderma. Also called: PALMOPLANTAR KERATODERMA WITH LEFT VENTRICULAR CARDIOMYOPATHY AND WOOLLY HAIR; Carvajal syndrome; Dilated cardiomyopathy with woolly hair and keratoderma; Arrhythmogenic cardiomyopathy with woolly hair and keratoderma. Identifiers: Orphanet 65282, MedGen C1854063, MONDO:0011581, OMIM 605676.
Arrhythmogenic right ventricular dysplasia 8 (ARVD8). Also called: ARRHYTHMOGENIC RIGHT VENTRICULAR DYSPLASIA, FAMILIAL, 8; ARRHYTHMOGENIC RIGHT VENTRICULAR CARDIOMYOPATHY 8; Arrhythmogenic Right Ventricular Dysplasia/Cardiomyopathy 8. Identifiers: MedGen C1843896, MONDO:0011831, OMIM 607450.

gnomAD v4.1: 1 of 1,614,072 alleles (0.000062%); highest among the groups gnomAD compares: African/African-American, 0.0013%; no homozygotes.

Submissions (3):

Ambry Genetics
Classification: Likely benign for Cardiovascular phenotype. Last evaluated: 2025-12-01. Review status: criteria provided, single submitter. Criteria: Ambry Variant Classification Scheme 2023. Collection method: clinical testing. Allele origin: germline.

Labcorp Genetics (formerly Invitae), Labcorp
Classification: Likely benign for Arrhythmogenic cardiomyopathy with wooly hair and keratoderma; Arrhythmogenic right ventricular dysplasia 8. Last evaluated: 2025-11-17. Review status: criteria provided, single submitter. Criteria: Invitae Variant Classification Sherloc (09022015). Collection method: clinical testing. Allele origin: germline.

All of Us Research Program, National Institutes of Health
Classification: Likely benign for Arrhythmogenic cardiomyopathy with wooly hair and keratoderma. Last evaluated: 2023-10-02. Review status: criteria provided, single submitter. Criteria: ACMG Guidelines, 2015. Collection method: clinical testing. Allele origin: germline. Inheritance: Autosomal dominant inheritance. Observed: 1 variant allele, 1 heterozygote.
Comment: This study involves interpretation of variants in research participants for the purpose of population health screening. Participant phenotype was not available at the time of variant classification. Additional details can be found in publication PMID: 35346344, PMCID: PMC8962531

NM_004415.4(DSP):c.3706A>C (p.Arg1236=)

Gene: DSP (desmoplakin; plus strand). Cytogenetic location: 6p24.3.
Variant type: single nucleotide variant.
Coding change: c.3706A>C on transcript NM_004415.4 (MANE Select); coding-DNA position 3706, A replaced by C.
Protein change: p.Arg1236=; no amino-acid change (arginine 1236 retained).
Molecular consequence: synonymous variant. On other transcripts: intron variant (1).
Genome position (GRCh38, 1-based): chr6:7,579,896, A>C. VCF-style: chr6-7579896-A-C. GRCh37 (hg19) VCF-style: chr6-7580129-A-C.
Other names: c.3706A>C, p.Arg1236= (NM_001319034.2); c.3582+124A>C (NM_001008844.3).
Identifiers: ClinVar variation 3073575 (VCV003073575.4), dbSNP rs377098318, ClinGen allele CA448714611.
Genomic context (GRCh38, chr6:7,579,896, plus strand): 5'-ATTACGAAGACCACCATCAAGGAGATATCCATGCAAAAAGAGGATGATTCCAAAAATCTT[A>C]GAAACCAGCTTGATAGACTTTCAAGGGAAAATCGAGATCTGAAGGATGAAATTGTCAGGC-3'
Protein context (NP_004406.2, residues 1226-1246): MQKEDDSKNL[Arg1236=]NQLDRLSREN